The following is an entry in ClinVar:

ClinVar aggregate classification (germline): Uncertain significance (1 of 4 stars; one submission).

gnomAD v4.1: 9 of 1,613,512 alleles (0.00056%); highest among the groups gnomAD compares: African/African-American, 0.012%; no homozygotes.

Submission:

Labcorp Genetics (formerly Invitae), Labcorp
Classification: Uncertain significance. Last evaluated: 2025-11-15. Review status: criteria provided, single submitter. Criteria: Invitae Variant Classification Sherloc (09022015). Collection method: clinical testing. Allele origin: germline.
Comment: This sequence change replaces leucine, which is neutral and non-polar, with phenylalanine, which is neutral and non-polar, at codon 62 of the DTNBP1 protein (p.Leu62Phe). This variant is present in population databases (rs776696141, gnomAD 0.03%). This variant has not been reported in the literature in individuals affected with DTNBP1-related conditions. Invitae Evidence Modeling of protein sequence and biophysical properties (such as structural, functional, and spatial information, amino acid conservation, physicochemical variation, residue mobility, and thermodynamic stability) indicates that this missense variant is expected to disrupt DTNBP1 protein function with a positive predictive value of 80%. In summary, the available evidence is currently insufficient to determine the role of this variant in disease. Therefore, it has been classified as a Variant of Uncertain Significance.

NM_032122.5(DTNBP1):c.184C>T (p.Leu62Phe)

Gene: DTNBP1 (dystrobrevin binding protein 1; minus strand). Cytogenetic location: 6p22.3.
Variant type: single nucleotide variant.
Coding change: c.184C>T on transcript NM_032122.5 (MANE Select); coding-DNA position 184, C replaced by T.
Protein change: p.Leu62Phe; replaces leucine 62 with phenylalanine.
Molecular consequence: missense variant. On other transcripts: 5 prime UTR variant (1), non-coding transcript variant (1).
Genome position (GRCh38, 1-based): chr6:15,637,782, G>A on the plus strand (C>T on the coding strand, the complement: DTNBP1 is on the minus strand). VCF-style: chr6-15637782-G-A. GRCh37 (hg19) VCF-style: chr6-15638013-G-A.
Other names: c.-60C>T (NM_001271667.2); c.133C>T, p.Leu45Phe (NM_001271668.2); c.79C>T, p.Leu27Phe (NM_001271669.2); c.184C>T, p.Leu62Phe (NM_183040.2); short protein forms L45F, L62F, L27F.
Identifiers: ClinVar variation 4780543 (VCV004780543.1).
Genomic context (GRCh38, chr6:15,637,782, plus strand): 5'-ATAAGATTAGTCAATTCTTTACCTCTCCAGCACTTGCACAGTCTTTGGCTCTTCTGTGAA[G>A]TGCAGCCCATGTATCCTCATACCTAAAAAAAAGCAAAAAATAATTTGAAATGCAAACCAC-3'
Protein context (NP_115498.2, residues 52-72): LSRYEDTWAA[Leu62Phe]HRRAKDCASA